The following is an entry in ClinVar:

ClinVar aggregate classification (germline): Likely benign. Review status: criteria provided, multiple submitters, no conflicts (2 of 4 stars). 3 submissions from 3 submitters: Likely benign (3). Last evaluated 2024-01-01.

Conditions:
Episodic ataxia type 2 (EA2). Also called: ATAXIA, EPISODIC, WITH NYSTAGMUS; ATAXIA, FAMILIAL PAROXYSMAL; CEREBELLAR ATAXIA, PAROXYSMAL, ACETAZOLAMIDE-RESPONSIVE; CEREBELLOPATHY, HEREDITARY PAROXYSMAL; ACETAZOLAMIDE-RESPONSIVE HEREDITARY PAROXYSMAL CEREBELLAR ATAXIA; EPISODIC ATAXIA, NYSTAGMUS-ASSOCIATED. Identifiers: Orphanet 97, MedGen C1720416, MONDO:0007163, OMIM 108500.
Developmental and epileptic encephalopathy, 42 (DEE42A). Also called: Epileptic encephalopathy, early infantile, 42; DEVELOPMENTAL AND EPILEPTIC ENCEPHALOPATHY 42A; EPILEPTIC ENCEPHALOPATHY, EARLY INFANTILE, 42A. Identifiers: MedGen C4310716, MONDO:0014917, OMIM 617106.

Allele frequency attached by ClinVar (database versions not stated): gnomAD exomes below 0.00001; TOPMed below 0.00001; ExAC 0.00001; 1000 Genomes Project 30x 0.00016; 1000 Genomes Project 0.00020.
gnomAD v4.1: 2 of 1,612,908 alleles (0.00012%); highest among the groups gnomAD compares: African/African-American, 0.0013%; no homozygotes.

Submissions (3):

CeGaT Center for Human Genetics Tuebingen
Classification: Likely benign. Last evaluated: 2024-01-01. Review status: criteria provided, single submitter. Criteria: CeGaT Center For Human Genetics Tuebingen Variant Classification Criteria Version 2. Collection method: clinical testing. Allele origin: germline. Affected: yes. Observed: 2 variant alleles.
Comment: CACNA1A: BP4, BP7

Labcorp Genetics (formerly Invitae), Labcorp
Classification: Likely benign for Developmental and epileptic encephalopathy, 42; Episodic ataxia type 2. Last evaluated: 2023-06-28. Review status: criteria provided, single submitter. Criteria: Invitae Variant Classification Sherloc (09022015). Collection method: clinical testing. Allele origin: germline.

Blueprint Genetics
Classification: Likely benign. Last evaluated: 2023-03-02. Review status: criteria provided, single submitter. Criteria: ACMG Guidelines, 2015. Collection method: clinical testing. Allele origin: germline.

NM_001127222.2(CACNA1A):c.2451G>A (p.Thr817=)

Gene: CACNA1A (calcium voltage-gated channel subunit alpha1 A; minus strand). Cytogenetic location: 19p13.13.
Variant type: single nucleotide variant.
Coding change: c.2451G>A on transcript NM_001127222.2 (MANE Select); coding-DNA position 2451, G replaced by A.
Protein change: p.Thr817=; no amino-acid change (threonine 817 retained).
Molecular consequence: synonymous variant.
Genome position (GRCh38, 1-based): chr19:13,299,182, C>T on the plus strand (G>A on the coding strand, the complement: CACNA1A is on the minus strand). VCF-style: chr19-13299182-C-T. GRCh37 (hg19) VCF-style: chr19-13409996-C-T.
Other names: c.2463G>A, p.Thr821= (NM_000068.4, NM_023035.3); c.2454G>A, p.Thr818= (NM_001127221.2, NM_001174080.2).
Identifiers: ClinVar variation 871988 (VCV000871988.49), dbSNP rs201998077, ClinGen allele CA9240548.